The following is an entry in ClinVar:

ClinVar aggregate classification (germline): Uncertain significance. Review status: criteria provided, multiple submitters, no conflicts (2 of 4 stars). 2 submissions from 2 submitters: Uncertain significance (2). Last evaluated 2026-04-01.

Allele frequency attached by ClinVar (database versions not stated): TOPMed below 0.00001; ExAC 0.00001; gnomAD 0.00001; gnomAD exomes 0.00001.
gnomAD v4.1: 18 of 1,614,194 alleles (0.0011%); highest among the groups gnomAD compares: Middle Eastern, 0.21%; 1 homozygote.

Submissions (2):

CeGaT Center for Human Genetics Tuebingen
Classification: Uncertain significance. Last evaluated: 2026-04-01. Review status: criteria provided, single submitter. Criteria: CeGaT Center For Human Genetics Tuebingen Variant Classification Criteria Version 2. Collection method: clinical testing. Allele origin: germline. Affected: yes. Observed: 1 variant allele.
Comment: UGGT1: PM2

Ambry Genetics
Classification: Uncertain significance. Last evaluated: 2022-09-06. Review status: criteria provided, single submitter. Criteria: Ambry Variant Classification Scheme 2023. Collection method: clinical testing. Allele origin: germline.

NM_020120.4(UGGT1):c.3377C>T (p.Pro1126Leu)

Gene: UGGT1 (UDP-glucose glycoprotein glucosyltransferase 1; plus strand). Cytogenetic location: 2q14.3.
Variant type: single nucleotide variant.
Coding change: c.3377C>T on transcript NM_020120.4 (MANE Select); coding-DNA position 3377, C replaced by T.
Protein change: p.Pro1126Leu; replaces proline 1126 with leucine.
Molecular consequence: missense variant. On other transcripts: non-coding transcript variant (1).
Genome position (GRCh38, 1-based): chr2:128,173,863, C>T. VCF-style: chr2-128173863-C-T. GRCh37 (hg19) VCF-style: chr2-128931437-C-T.
Other names: short protein forms P1126L.
Identifiers: ClinVar variation 2215422 (VCV002215422.4), dbSNP rs770168579, ClinGen allele CA1867038.
Genomic context (GRCh38, chr2:128,173,863, plus strand): 5'-AGTATGAGCTGGAATACCTGTTACTGGAAGGTCATTGCTACGACATCACCACAGGCCAGC[C>T]TCCACGGGGACTACAGTTTACCTTAGGAACTTCAGCCAACCCGGTCATTGTGGACACCAT-3'
Protein context (NP_064505.1, residues 1116-1136): GHCYDITTGQ[Pro1126Leu]PRGLQFTLGT